The following is an entry in ClinVar:

ClinVar aggregate classification (germline): Conflicting classifications of pathogenicity. Review status: criteria provided, conflicting classifications (1 of 4 stars). 2 submissions from 2 submitters: Pathogenic (1); Uncertain significance (1). Last evaluated 2024-11-11.

Conditions:
Hereditary spastic paraplegia 4. Also called: Spastic paraplegia 4, autosomal dominant; Spastic Paraplegia 4; Familial spastic paraplegia autosomal dominant 2. Identifiers: Orphanet 100985, MedGen C1866855, MONDO:0008438, OMIM 182601.

Submissions (2):

Labcorp Genetics (formerly Invitae), Labcorp
Classification: Pathogenic for Hereditary spastic paraplegia 4. Last evaluated: 2024-11-11. Review status: criteria provided, single submitter. Criteria: Invitae Variant Classification Sherloc (09022015). Collection method: clinical testing. Allele origin: germline.
Comment: This sequence change replaces glycine, which is neutral and non-polar, with aspartic acid, which is acidic and polar, at codon 60 of the SPAST protein (p.Gly60Asp). This variant is not present in population databases (gnomAD no frequency). This missense change has been observed in individuals with clinical features of hereditary spastic paraplegia (internal data). Invitae Evidence Modeling of clinical and family history, age, sex, and reported ancestry of multiple individuals with this SPAST variant has been performed. This variant is expected to be pathogenic with a positive predictive value of at least 99%. This is a validated machine learning model that incorporates the clinical features of 3,690 individuals referred to our laboratory for SPAST testing. ClinVar contains an entry for this variant (Variation ID: 568338). Invitae Evidence Modeling of protein sequence and biophysical properties (such as structural, functional, and spatial information, amino acid conservation, physicochemical variation, residue mobility, and thermodynamic stability) indicates that this missense variant is not expected to disrupt SPAST protein function with a negative predictive value of 95%. For these reasons, this variant has been classified as Pathogenic.

GeneDx
Classification: Uncertain significance. Last evaluated: 2019-02-12. Review status: criteria provided, single submitter. Criteria: GeneDx Variant Classification Process June 2021. Collection method: clinical testing. Allele origin: germline. Affected: yes.
Comment: Not observed in large population cohorts (Lek et al., 2016); The majority of missense variants in this gene are considered pathogenic; In silico analysis, which includes protein predictors and evolutionary conservation, supports that this variant does not alter protein structure/function; Has not been previously published as pathogenic or benign to our knowledge

NM_014946.4(SPAST):c.179G>A (p.Gly60Asp)

Gene: SPAST (spastin; plus strand). Cytogenetic location: 2p22.3.
Variant type: single nucleotide variant.
Coding change: c.179G>A on transcript NM_014946.4 (MANE Select); coding-DNA position 179, G replaced by A.
Protein change: p.Gly60Asp; replaces glycine 60 with aspartic acid.
Molecular consequence: missense variant.
Genome position (GRCh38, 1-based): chr2:32,064,010, G>A. VCF-style: chr2-32064010-G-A. GRCh37 (hg19) VCF-style: chr2-32289079-G-A.
Other names: c.179G>A, p.Gly60Asp (NM_001363823.2, NM_001363875.2, NM_001377959.1 and 1 more transcripts); short protein forms G60D.
Identifiers: ClinVar variation 568338 (VCV000568338.10), dbSNP rs1558605758, ClinGen allele CA346601594.